The following is an entry in ClinVar:

NM_000059.4(BRCA2):c.7819_7821delinsCCC (p.Thr2607Pro)

Gene: BRCA2 (BRCA2 DNA repair associated; plus strand). Cytogenetic location: 13q13.1.
Variant type: Indel.
Coding change: c.7819_7821delinsCCC on transcript NM_000059.4 (MANE Select); coding-DNA positions 7819 to 7821, ACT replaced by CCC.
Protein change: p.Thr2607Pro; replaces threonine 2607 with proline.
Molecular consequence: missense variant. On other transcripts: non-coding transcript variant (1).
Genome position (GRCh38, 1-based): chr13:32,362,536-32,362,538, ACT replaced by CCC. VCF-style: chr13-32362536-ACT-CCC. GRCh37 (hg19) VCF-style: chr13-32936673-ACT-CCC.
Other names: c.7723_7725delinsCCC, p.Thr2575Pro (NM_001406719.1); c.7819_7821delinsCCC, p.Thr2607Pro (NM_001406720.1); c.2887_2889delinsCCC, p.Thr963Pro (NM_001406721.1); c.1402_1404delinsCCC, p.Thr468Pro (NM_001406722.1); short protein forms T2575P, T2607P, T468P, T963P.
Identifiers: ClinVar variation 3228950 (VCV003228950.1), dbSNP rs2548545270, ClinGen allele CA2825002142.

ClinVar aggregate classification (germline): Likely pathogenic (1 of 4 stars; one submission).

Conditions:
Hereditary cancer-predisposing syndrome. Also called: Neoplastic Syndromes, Hereditary; Tumor predisposition; Hereditary neoplastic syndrome; Hereditary Cancer Syndrome. Identifiers: Orphanet 140162, MedGen C0027672, MeSH D009386, MONDO:0015356.

Submission:

Ambry Genetics
Classification: Likely pathogenic for Hereditary cancer-predisposing syndrome. Last evaluated: 2024-01-30. Review status: criteria provided, single submitter. Criteria: Ambry Variant Classification Scheme 2023. Collection method: clinical testing. Allele origin: germline.
Comment: The c.7819_7821delACTinsCCC variant (also known as p.T2607P), located in coding exon 16 of the BRCA2 gene, results from an in-frame deletion of ACT and insertion of CCC at nucleotide positions 7819 to 7821. This results in the substitution of the threonine residue for a proline residue at codon 2607, an amino acid with highly similar properties. Based on internal structural analysis, T2607P is deleterious and is non-functional in a homology directed DNA repair assay (Ambry internal data). This amino acid position is highly conserved in available vertebrate species. In addition, this alteration is predicted to be deleterious by in silico analysis. Based on the majority of available evidence to date, this variant is likely to be pathogenic.